The following is an entry in ClinVar:

ClinVar aggregate classification (germline): Uncertain significance (1 of 4 stars; one submission).

Conditions:
Inborn genetic diseases. Identifiers: MedGen C0950123, MeSH D030342.

Allele frequency attached by ClinVar (database versions not stated): gnomAD exomes below 0.00001; ExAC 0.00001.
gnomAD v4.1: 2 of 1,614,156 alleles (0.00012%); highest among the groups gnomAD compares: Non-Finnish European, 0.00017%; no homozygotes.

Submission:

Ambry Genetics
Classification: Uncertain significance for Inborn genetic diseases. Last evaluated: 2022-11-30. Review status: criteria provided, single submitter. Criteria: Ambry Variant Classification Scheme 2023. Collection method: clinical testing. Allele origin: germline.
Comment: The p.H779Y variant (also known as c.2335C>T), located in coding exon 15 of the EPAS1 gene, results from a C to T substitution at nucleotide position 2335. The histidine at codon 779 is replaced by tyrosine, an amino acid with similar properties. This amino acid position is conserved. In addition, this alteration is predicted to be tolerated by in silico analysis. Since supporting evidence is limited at this time, the clinical significance of this alteration remains unclear.

NM_001430.5(EPAS1):c.2335C>T (p.His779Tyr)

Gene: EPAS1 (endothelial PAS domain protein 1; plus strand). Cytogenetic location: 2p21.
Variant type: single nucleotide variant.
Coding change: c.2335C>T on transcript NM_001430.5 (MANE Select); coding-DNA position 2335, C replaced by T.
Protein change: p.His779Tyr; replaces histidine 779 with tyrosine.
Molecular consequence: missense variant.
Genome position (GRCh38, 1-based): chr2:46,382,472, C>T. VCF-style: chr2-46382472-C-T. GRCh37 (hg19) VCF-style: chr2-46609611-C-T.
Other names: short protein forms H779Y.
Identifiers: ClinVar variation 2450294 (VCV002450294.2), dbSNP rs757893563, ClinGen allele CA1645317.
Genomic context (GRCh38, chr2:46,382,472, plus strand): 5'-TTTGGTCTTTCAGATAAGTTCACCCAAAACCCCATGAGGGGCCTGGGCCATCCCCTGAGA[C>T]ATCTGCCGCTGCCACAGCCTCCATCTGCCATCAGTCCCGGGGAGAACAGCAAGAGCAGGT-3'
Protein context (NP_001421.2, residues 769-789): PMRGLGHPLR[His779Tyr]LPLPQPPSAI